The following is an entry in ClinVar:

NM_001903.5(CTNNA1):c.1307T>C (p.Leu436Ser)

Gene: CTNNA1 (catenin alpha 1; plus strand). Cytogenetic location: 5q31.2.
Variant type: single nucleotide variant.
Coding change: c.1307T>C on transcript NM_001903.5 (MANE Select); coding-DNA position 1307, T replaced by C.
Protein change: p.Leu436Ser; replaces leucine 436 with serine.
Molecular consequence: missense variant. On other transcripts: 5 prime UTR variant (6), intron variant (3).
Genome position (GRCh38, 1-based): chr5:138,904,359, T>C. VCF-style: chr5-138904359-T-C. GRCh37 (hg19) VCF-style: chr5-138240048-T-C.
Other names: c.1307T>C, p.Leu436Ser (NM_001290307.3, NM_001323982.2, NM_001323983.1 and 2 more transcripts); c.998T>C, p.Leu333Ser (NM_001290309.3); c.938T>C, p.Leu313Ser (NM_001290310.3); c.197T>C, p.Leu66Ser (NM_001290312.1, NM_001323987.1, NM_001323988.1 and 17 more transcripts); c.-201T>C (NM_001324006.1, NM_001324007.1, NM_001324008.1 and 1 more transcripts); c.-47T>C (NM_001324012.1, NM_001324013.1); c.1297-13383T>C (NM_001323986.2); c.187-13383T>C (NM_001324011.1); and 1 more; short protein forms L313S, L333S, L66S, L436S.
Identifiers: ClinVar variation 2789027 (VCV002789027.3), dbSNP rs2533352002, ClinGen allele CA361135881.

ClinVar aggregate classification (germline): Uncertain significance (1 of 4 stars; one submission).

Submission:

Labcorp Genetics (formerly Invitae), Labcorp
Classification: Uncertain significance. Last evaluated: 2022-12-30. Review status: criteria provided, single submitter. Criteria: Invitae Variant Classification Sherloc (09022015). Collection method: clinical testing. Allele origin: germline.
Comment: This variant has not been reported in the literature in individuals affected with CTNNA1-related conditions. In summary, the available evidence is currently insufficient to determine the role of this variant in disease. Therefore, it has been classified as a Variant of Uncertain Significance. Advanced modeling of protein sequence and biophysical properties (such as structural, functional, and spatial information, amino acid conservation, physicochemical variation, residue mobility, and thermodynamic stability) performed at Invitae indicates that this missense variant is expected to disrupt CTNNA1 protein function. This variant is not present in population databases (gnomAD no frequency). This sequence change replaces leucine, which is neutral and non-polar, with serine, which is neutral and polar, at codon 436 of the CTNNA1 protein (p.Leu436Ser).